The following is an entry in ClinVar:

ClinVar aggregate classification (germline): Likely benign (1 of 4 stars; one submission).

Submission:

CeGaT Center for Human Genetics Tuebingen
Classification: Likely benign. Last evaluated: 2022-11-01. Review status: criteria provided, single submitter. Criteria: CeGaT Center For Human Genetics Tuebingen Variant Classification Criteria Version 2. Collection method: clinical testing. Allele origin: germline. Affected: yes. Observed: 2 variant alleles.
Comment: GAGE2D: BP4, BP7

Single allele

Genes: GAGE2D (G antigen 2D; plus strand), GAGE8 (G antigen 8). Cytogenetic location: Xp11.23.
Variant type: single nucleotide variant.
Identifiers: ClinVar variation 2660536 (VCV002660536.19), dbSNP rs782698190, ClinGen allele CA10412616.